The following is an entry in ClinVar:

NM_001618.4(PARP1):c.1129C>T (p.Pro377Ser)

Gene: PARP1 (poly(ADP-ribose) polymerase 1; minus strand). Cytogenetic location: 1q42.12.
Variant type: single nucleotide variant.
Coding change: c.1129C>T on transcript NM_001618.4 (MANE Select); coding-DNA position 1129, C replaced by T.
Protein change: p.Pro377Ser; replaces proline 377 with serine.
Molecular consequence: missense variant.
Genome position (GRCh38, 1-based): chr1:226,383,066, G>A on the plus strand (C>T on the coding strand, the complement: PARP1 is on the minus strand). VCF-style: chr1-226383066-G-A. GRCh37 (hg19) VCF-style: chr1-226570767-G-A.
Other names: short protein forms P377S.
Identifiers: ClinVar variation 779066 (VCV000779066.16), dbSNP rs2230484, ClinGen allele CA1422923.

ClinVar aggregate classification (germline): Benign/Likely benign. Review status: criteria provided, multiple submitters, no conflicts (2 of 4 stars). 4 submissions from 4 submitters: Benign (2); Likely benign (1). 1 of the submissions does not count toward it. Last evaluated 2025-04-01.

Conditions:
PARP1-related disorder. Also called: PARP1-related condition.

Allele frequency attached by ClinVar (database versions not stated): 1000 Genomes Project 0.00200; 1000 Genomes Project 30x 0.00203; TOPMed 0.00331; gnomAD 0.00333 and 0.00335; gnomAD exomes 0.00367 and 0.00516; ExAC 0.00390; ESP Exome Variant Server 0.00408.
gnomAD v4.1: 8,002 of 1,612,936 alleles (0.5%); highest among the groups gnomAD compares: Non-Finnish European, 0.62%; 26 homozygotes.

Submissions (4):

CeGaT Center for Human Genetics Tuebingen
Classification: Likely benign. Last evaluated: 2025-04-01. Review status: criteria provided, single submitter. Criteria: CeGaT Center For Human Genetics Tuebingen Variant Classification Criteria Version 2. Collection method: clinical testing. Allele origin: germline. Affected: yes. Observed: 1 variant allele.
Comment: PARP1: BP4, BS2

Labcorp Genetics (formerly Invitae), Labcorp
Classification: Benign. Last evaluated: 2018-06-20. Review status: criteria provided, single submitter. Criteria: Invitae Variant Classification Sherloc (09022015). Collection method: clinical testing. Allele origin: germline.

Breakthrough Genomics
Classification: Benign. Review status: criteria provided, single submitter. Criteria: ACMG Guidelines, 2015. Collection method: not provided. Allele origin: germline. Inheritance: Unknown mechanism. Affected: yes.

PreventionGenetics, part of Exact Sciences
Classification: Likely benign for PARP1-related condition. Last evaluated: 2019-08-24. Review status: no assertion criteria provided. Collection method: clinical testing. Allele origin: germline. Not counted in ClinVar's aggregate classification.
Comment: This variant is classified as likely benign based on ACMG/AMP sequence variant interpretation guidelines (Richards et al. 2015 PMID: 25741868, with internal and published modifications).